The following is an entry in ClinVar:

NM_000059.4(BRCA2):c.4137_4141del (p.Ile1380fs)

Gene: BRCA2 (BRCA2 DNA repair associated; plus strand). Cytogenetic location: 13q13.1.
Variant type: Deletion.
Coding change: c.4137_4141del on transcript NM_000059.4 (MANE Select); coding-DNA positions 4137 to 4141, 5 bases deleted (GATTA; older notation c.4137_4141delGATTA).
Protein change: p.Ile1380fs; shifts the reading frame from isoleucine 1380.
Molecular consequence: frameshift variant.
Genome position (GRCh38, 1-based): chr13:32,338,492-32,338,496, GATTA deleted; deleting any 5 consecutive bases within chr13:32,338,491-32,338,496 gives the same sequence; the c. name uses the placement nearest the transcript's 3' end. VCF-style (leftmost placement, unchanged base first): chr13-32338490-CAGATT-C. GRCh37 (hg19) VCF-style: chr13-32912627-CAGATT-C.
Other names: 4365del5; 4365_4369delGATTA; c.4137_4141delGATTA (NM_000059.3).
Identifiers: ClinVar variation 51604 (VCV000051604.17), dbSNP rs80359431, ClinGen allele CA019585.

ClinVar aggregate classification (germline): Pathogenic. Review status: reviewed by expert panel (3 of 4 stars). 6 submissions from 6 submitters: Pathogenic (1). 5 of the submissions do not count toward it. Last evaluated 2016-04-22.

Conditions:
Hereditary breast ovarian cancer syndrome. Also called: Hereditary breast and ovarian cancer syndrome; Hereditary breast and ovarian cancer; Hereditary breast and ovarian cancer syndrome (HBOC); Breast and ovarian cancer; Hereditary breast and/or ovarian cancer syndrome; BRCA1- and BRCA2-Associated Hereditary Breast and Ovarian Cancer. Identifiers: Orphanet 145, MedGen C0677776, MeSH D061325, MONDO:0003582. Disease mechanism: loss of function.
Breast-ovarian cancer, familial, susceptibility to, 2 (BROVCA2). Also called: BRCA2 Hereditary Breast and Ovarian Cancer. Identifiers: Orphanet 145, MedGen C2675520, MONDO:0012933, OMIM 612555. Disease mechanism: loss of function.
Hereditary cancer-predisposing syndrome. Also called: Neoplastic Syndromes, Hereditary; Tumor predisposition; Hereditary Cancer Syndrome; Hereditary neoplastic syndrome. Identifiers: Orphanet 140162, MedGen C0027672, MeSH D009386, MONDO:0015356.

Submissions (6):

Evidence-based Network for the Interpretation of Germline Mutant Alleles (ENIGMA)
Classification: Pathogenic for Breast-ovarian cancer, familial, susceptibility to, 2. Last evaluated: 2016-04-22. Review status: reviewed by expert panel. Criteria: ENIGMA BRCA1/2 Classification Criteria (2015). Collection method: curation. Allele origin: germline.
Comment: Variant allele predicted to encode a truncated non-functional protein.

Labcorp Genetics (formerly Invitae), Labcorp
Classification: Pathogenic for Hereditary breast ovarian cancer syndrome. Last evaluated: 2023-08-04. Review status: criteria provided, single submitter. Criteria: Invitae Variant Classification Sherloc (09022015). Collection method: clinical testing. Allele origin: germline. Not counted in ClinVar's aggregate classification.
Comment: For these reasons, this variant has been classified as Pathogenic. ClinVar contains an entry for this variant (Variation ID: 51604). This variant has not been reported in the literature in individuals affected with BRCA2-related conditions. This variant is not present in population databases (gnomAD no frequency). This sequence change creates a premature translational stop signal (p.Ile1380Argfs*21) in the BRCA2 gene. It is expected to result in an absent or disrupted protein product. Loss-of-function variants in BRCA2 are known to be pathogenic (PMID: 20104584).

Women's Health and Genetics/Laboratory Corporation of America, LabCorp
Classification: Pathogenic for Hereditary breast ovarian cancer syndrome. Last evaluated: 2021-09-27. Review status: criteria provided, single submitter. Criteria: LabCorp Variant Classification Summary - May 2015. Collection method: clinical testing. Allele origin: germline. Not counted in ClinVar's aggregate classification.
Comment: Variant summary: BRCA2 c.4137_4141delGATTA (p.Ile1380ArgfsX21) results in a premature termination codon, predicted to cause a truncation of the encoded protein or absence of the protein due to nonsense mediated decay, which are commonly known mechanisms for disease. Truncations downstream of this position have been classified as pathogenic by our laboratory. The variant was absent in 245762 control chromosomes. c.4137_4141delGATTA has been reported in the literature in individuals affected with Hereditary Breast And Ovarian Cancer Syndrome, including a prostate cancer case (Rebbeck_2018, Nyberg_2020). To our knowledge, no experimental evidence demonstrating an impact on protein function has been reported. Multiple clinical diagnostic laboratories have submitted clinical-significance assessments for this variant to ClinVar after 2014 without evidence for independent evaluation. All laboratories classified the variant as pathogenic. Based on the evidence outlined above, the variant was classified as pathogenic.

Ambry Genetics
Classification: Pathogenic for Hereditary cancer-predisposing syndrome. Last evaluated: 2019-05-16. Review status: criteria provided, single submitter. Criteria: Ambry Variant Classification Scheme 2023. Collection method: clinical testing. Allele origin: germline. Not counted in ClinVar's aggregate classification.
Comment: The c.4137_4141delGATTA pathogenic mutation, located in coding exon 10 of the BRCA2 gene, results from a deletion of 5 nucleotides at nucleotide positions 4137 to 4141, causing a translational frameshift with a predicted alternate stop codon (p.I1380Rfs*21). This alteration was identified in a large, worldwide study of BRCA1/2 mutation positive families (Rebbeck TR et al. Hum. Mutat. 2018 05;39:593-620).This alteration is expected to result in loss of function by premature protein truncation or nonsense-mediated mRNA decay. As such, this alteration is interpreted as a disease-causing mutation.

Consortium of Investigators of Modifiers of BRCA1/2 (CIMBA), c/o University of Cambridge
Classification: Pathogenic for Breast-ovarian cancer, familial, susceptibility to, 2. Last evaluated: 2015-10-02. Review status: criteria provided, single submitter. Criteria: CIMBA Mutation Classification guidelines May 2016. Collection method: clinical testing. Allele origin: germline. Not counted in ClinVar's aggregate classification.

Breast Cancer Information Core (BIC) (BRCA2)
Classification: Pathogenic for Breast-ovarian cancer, familial 2. Last evaluated: 2003-12-23. Review status: no assertion criteria provided. Collection method: clinical testing. Allele origin: germline. Affected: yes. Observed: 1 variant allele. Not counted in ClinVar's aggregate classification.

Literature cited by the submitters: PubMed 20104584 (cited by Labcorp Genetics (formerly Invitae), Labcorp); PubMed 21702907 (cited by Women's Health and Genetics/Laboratory Corporation of America, LabCorp); PubMed 29446198 (cited by Women's Health and Genetics/Laboratory Corporation of America, LabCorp and Ambry Genetics); PubMed 32532514 (cited by Women's Health and Genetics/Laboratory Corporation of America, LabCorp); PubMed 20174566 (cited by Women's Health and Genetics/Laboratory Corporation of America, LabCorp).